The following is an entry in ClinVar:

ClinVar aggregate classification (germline): association (1 of 4 stars; one submission).

Conditions:
Leukemia, acute lymphocytic, susceptibility to, 2. Also called: Leukemia, acute lymphoblastic 2; LEUKEMIA, ACUTE LYMPHOBLASTIC, SUSCEPTIBILITY TO, 2. Identifiers: Orphanet 513, MedGen C2751593, MONDO:0013109, OMIM 613067.

Allele frequency attached by ClinVar (database versions not stated): 1000 Genomes Project 30x 0.21955; 1000 Genomes Project 0.22145; gnomAD exomes 0.23086; TOPMed 0.23792; gnomAD 0.24508 and 0.24518.
gnomAD v4.1: 55,077 of 228,706 alleles (24%); highest among the groups gnomAD compares: South Asian, 29%; 7,068 homozygotes.

Submission:

Laboratorios de Investigación en Biología Molecular e Inmunología, Universidad Autónoma de Nayarit
Classification: association for Leukemia, acute lymphocytic, susceptibility to, 2. Review status: criteria provided, single submitter. Criteria: ACMG Guidelines, 2015. Collection method: research. Allele origin: somatic. Inheritance: Somatic mutation.
Comment: In a genome wide association study of 2 case-control series, totaling 907 ALL cases and 2,398 controls, Papaemmanuil et al. (2009) found a significant association between ALL and a SNP at chromosome 7p12.2 in the IKZF1 gene (rs4132601, OR of 1.69, p = 1.20 x 10(-19)). The association was also highly significant when confined to B-cell ALL (OR of 1.73, p = 9.31 x 10(-20)). In vitro studies showed that IKZF1 mRNA expression was significantly associated with genotype in a dose-dependent fashion, with lower expression being associated with the C risk allele. The authors noted that Ikaros proteins are master regulators of lymphocyte development. By genotyping 1,384 cases of precursor B-cell childhood ALL and 1,877 controls from Germany and the United Kingdom, Prasad et al. (2010) found a significant association between IKZF1 SNP rs4132601 and ALL (OR of 1.69, p = 7.51 x 10(-22)). This finding replicated the susceptibility locus for ALL at chromosome 7p12.2 previously reported by Trevino et al. (2009) and Papaemmanuil et al. (2009).

NM_006060.6(IKZF1):c.*2279T>G

Gene: IKZF1 (IKAROS family zinc finger 1; plus strand). Cytogenetic location: 7p12.2.
Variant type: single nucleotide variant.
Coding change: c.*2279T>G on transcript NM_006060.6 (MANE Select); 2279 bases downstream of the stop codon, T replaced by G.
Molecular consequence: 3 prime UTR variant.
Genome position (GRCh38, 1-based): chr7:50,402,906, T>G. VCF-style: chr7-50402906-T-G. GRCh37 (hg19) VCF-style: chr7-50470604-T-G.
Other names: c.*2279T>G (NM_001220765.3, NM_001220767.2, NM_001220768.2 and 10 more transcripts).
Identifiers: ClinVar variation 694328 (VCV000694328.3), dbSNP rs4132601, ClinGen allele CA12632614.